The following is an entry in ClinVar:

NM_001458.5(FLNC):c.978G>A (p.Val326=)

Gene: FLNC (filamin C; plus strand). Cytogenetic location: 7q32.1.
Variant type: single nucleotide variant.
Coding change: c.978G>A on transcript NM_001458.5 (MANE Select); coding-DNA position 978, G replaced by A.
Protein change: p.Val326=; no amino-acid change (valine 326 retained).
Molecular consequence: synonymous variant.
Genome position (GRCh38, 1-based): chr7:128,837,995, G>A. VCF-style: chr7-128837995-G-A. GRCh37 (hg19) VCF-style: chr7-128478049-G-A.
Other names: c.978G>A, p.Val326= (NM_001127487.2).
Identifiers: ClinVar variation 1985534 (VCV001985534.5), dbSNP rs2536619855, ClinGen allele CA457581621.

ClinVar aggregate classification (germline): Likely benign. Review status: criteria provided, multiple submitters, no conflicts (2 of 4 stars). 2 submissions from 2 submitters: Likely benign (2). Last evaluated 2026-03-27.

Conditions:
Myofibrillar myopathy 5. Also called: Filaminopathy (type); FILAMINOPATHY, AUTOSOMAL DOMINANT. Identifiers: Orphanet 171445, MedGen C1836050, MONDO:0012289, OMIM 609524.
Hypertrophic cardiomyopathy 26. Also called: Cardiomyopathy, familial hypertrophic, 26. Identifiers: Orphanet 75249, MedGen C4310749, MONDO:0014883, OMIM 617047.
Distal myopathy with posterior leg and anterior hand involvement. Also called: WILLIAMS DISTAL MYOPATHY. Identifiers: Orphanet 63273, MedGen C3279722, MONDO:0013550, OMIM 614065.

Submissions (2):

Molecular Diagnostic Laboratory for Inherited Cardiovascular Disease, Montreal Heart Institute
Classification: Likely benign. Last evaluated: 2026-03-27. Review status: criteria provided, single submitter. Criteria: ACMG Guidelines, 2015. Collection method: clinical testing. Allele origin: germline. Affected: no.
Comment: BP7

Labcorp Genetics (formerly Invitae), Labcorp
Classification: Likely benign for Distal myopathy with posterior leg and anterior hand involvement; Myofibrillar myopathy 5; Hypertrophic cardiomyopathy 26. Last evaluated: 2024-06-24. Review status: criteria provided, single submitter. Criteria: Invitae Variant Classification Sherloc (09022015). Collection method: clinical testing. Allele origin: germline.